The following is an entry in ClinVar:

ClinVar aggregate classification (germline): Uncertain significance. Review status: criteria provided, multiple submitters, no conflicts (2 of 4 stars). 2 submissions from 2 submitters: Uncertain significance (2). Last evaluated 2025-10-03.

Conditions:
Inborn genetic diseases. Identifiers: MedGen C0950123, MeSH D030342.
Short-rib thoracic dysplasia 6 with or without polydactyly (SRTD6). Also called: SHORT RIB-POLYDACTYLY SYNDROME, TYPE IIA; POLYDACTYLY WITH NEONATAL CHONDRODYSTROPHY, TYPE II; Majewski Syndrome; SHORT-RIB THORACIC DYSPLASIA 6 WITH POLYDACTYLY; SHORT-RIB THORACIC DYSPLASIA 6 WITHOUT POLYDACTYLY. Identifiers: MedGen C0024507, MONDO:0009894, OMIM 263520.

gnomAD v4.1: 1 of 1,613,664 alleles (0.000062%); highest among the groups gnomAD compares: Admixed American, 0.0017%; no homozygotes.

Submissions (2):

Ambry Genetics
Classification: Uncertain significance for Inborn genetic diseases. Last evaluated: 2025-10-03. Review status: criteria provided, single submitter. Criteria: Ambry Variant Classification Scheme 2023. Collection method: clinical testing. Allele origin: germline.

Labcorp Genetics (formerly Invitae), Labcorp
Classification: Uncertain significance for Short-rib thoracic dysplasia 6 with or without polydactyly. Last evaluated: 2023-11-03. Review status: criteria provided, single submitter. Criteria: Invitae Variant Classification Sherloc (09022015). Collection method: clinical testing. Allele origin: germline.
Comment: This sequence change replaces phenylalanine, which is neutral and non-polar, with leucine, which is neutral and non-polar, at codon 1013 of the NEK1 protein (p.Phe1013Leu). This variant is not present in population databases (gnomAD no frequency). This variant has not been reported in the literature in individuals affected with NEK1-related conditions. Advanced modeling of protein sequence and biophysical properties (such as structural, functional, and spatial information, amino acid conservation, physicochemical variation, residue mobility, and thermodynamic stability) performed at Invitae indicates that this missense variant is not expected to disrupt NEK1 protein function with a negative predictive value of 80%. In summary, the available evidence is currently insufficient to determine the role of this variant in disease. Therefore, it has been classified as a Variant of Uncertain Significance.

NM_001199397.3(NEK1):c.3121T>C (p.Phe1041Leu)

Gene: NEK1 (NIMA related kinase 1; minus strand). Cytogenetic location: 4q33.
Variant type: single nucleotide variant.
Coding change: c.3121T>C on transcript NM_001199397.3 (MANE Select); coding-DNA position 3121, T replaced by C.
Protein change: p.Phe1041Leu; replaces phenylalanine 1041 with leucine.
Molecular consequence: missense variant. On other transcripts: non-coding transcript variant (1).
Genome position (GRCh38, 1-based): chr4:169,424,654, A>G on the plus strand (T>C on the coding strand, the complement: NEK1 is on the minus strand). VCF-style: chr4-169424654-A-G. GRCh37 (hg19) VCF-style: chr4-170345805-A-G.
Other names: c.3037T>C (NM_012224.2); c.2989T>C, p.Phe997Leu (NM_001199398.3); c.2830T>C, p.Phe944Leu (NM_001199399.3); c.2905T>C, p.Phe969Leu (NM_001199400.3); c.3121T>C, p.Phe1041Leu (NM_001374418.1); c.3037T>C, p.Phe1013Leu (NM_001374419.1, NM_012224.4); c.2986T>C, p.Phe996Leu (NM_001374420.1); c.2638T>C, p.Phe880Leu (NM_001374421.1); short protein forms F880L, F969L, F944L, F996L, F1013L, F1041L, F997L.
Identifiers: ClinVar variation 2883175 (VCV002883175.4), dbSNP rs1244928420, ClinGen allele CA358801319.